The following is an entry in ClinVar:

ClinVar aggregate classification (germline): Conflicting classifications of pathogenicity. Review status: criteria provided, conflicting classifications (1 of 4 stars). 6 submissions from 6 submitters: Uncertain significance (2); Likely benign (4). Last evaluated 2026-02-02.

Conditions:
TK2-related disorder. Also called: TK2-related condition.
Inborn genetic diseases. Identifiers: MedGen C0950123, MeSH D030342.

Allele frequency attached by ClinVar (database versions not stated): gnomAD 0.00036 and 0.00028; TOPMed 0.00052; 1000 Genomes Project 0.00080; 1000 Genomes Project 30x 0.00094; ExAC 0.00100.
gnomAD v4.1: 423 of 1,505,492 alleles (0.028%); highest among the groups gnomAD compares: Middle Eastern, 0.28%; 4 homozygotes.

Submissions (6):

Labcorp Genetics (formerly Invitae), Labcorp
Classification: Likely benign. Last evaluated: 2026-02-02. Review status: criteria provided, single submitter. Criteria: Invitae Variant Classification Sherloc (09022015). Collection method: clinical testing. Allele origin: germline.

PreventionGenetics, part of Exact Sciences
Classification: Likely benign for TK2-related condition. Last evaluated: 2025-02-07. Review status: criteria provided, single submitter. Criteria: ACMG Guidelines, 2015. Collection method: clinical testing. Allele origin: germline.
Comment: This variant is classified as likely benign based on ACMG/AMP sequence variant interpretation guidelines (Richards et al. 2015 PMID: 25741868, with internal and published modifications).

Ambry Genetics
Classification: Uncertain significance for Inborn genetic diseases. Last evaluated: 2023-12-17. Review status: criteria provided, single submitter. Criteria: Ambry Variant Classification Scheme 2023. Collection method: clinical testing. Allele origin: germline.

GeneDx
Classification: Likely benign. Last evaluated: 2021-04-22. Review status: criteria provided, single submitter. Criteria: GeneDx Variant Classification Process June 2021. Collection method: clinical testing. Allele origin: germline. Affected: yes.

Revvity Omics, Revvity
Classification: Uncertain significance. Last evaluated: 2019-10-07. Review status: criteria provided, single submitter. Criteria: ACMG Guidelines, 2015. Collection method: clinical testing. Allele origin: germline.

Breakthrough Genomics
Classification: Likely benign. Review status: criteria provided, single submitter. Criteria: ACMG Guidelines, 2015. Collection method: not provided. Allele origin: germline. Inheritance: Autosomal recessive inheritance. Affected: yes.

NM_004614.5(TK2):c.80C>T (p.Ser27Leu)

Genes: TK2 (thymidine kinase 2; minus strand), LOC130059156 (ATAC-STARR-seq lymphoblastoid silent region 7560; plus strand). Cytogenetic location: 16q21.
Variant type: single nucleotide variant.
Coding change: c.80C>T on transcript NM_004614.5 (MANE Select); coding-DNA position 80, C replaced by T.
Protein change: p.Ser27Leu; replaces serine 27 with leucine.
Molecular consequence: missense variant. On other transcripts: 5 prime UTR variant (2), non-coding transcript variant (1), intron variant (2).
Genome position (GRCh38, 1-based): chr16:66,549,982, G>A on the plus strand (C>T on the coding strand, the complement: TK2 is on the minus strand). VCF-style: chr16-66549982-G-A. GRCh37 (hg19) VCF-style: chr16-66583885-G-A.
Other names: c.80C>T, p.Ser27Leu (NM_001172644.2, NM_001172645.2); c.-163C>T (NM_001271934.2); c.-573C>T (NM_001272050.2); c.31+271C>T (NM_001271935.1, NM_001172643.1); short protein forms S27L.
Identifiers: ClinVar variation 1196443 (VCV001196443.18), dbSNP rs191573607, ClinGen allele CA8093844.